The following is an entry in ClinVar:

NM_153252.5(BRWD3):c.1228A>G (p.Thr410Ala)

Gene: BRWD3 (bromodomain and WD repeat domain containing 3; minus strand). Cytogenetic location: Xq21.1.
Variant type: single nucleotide variant.
Coding change: c.1228A>G on transcript NM_153252.5 (MANE Select); coding-DNA position 1228, A replaced by G.
Protein change: p.Thr410Ala; replaces threonine 410 with alanine.
Molecular consequence: missense variant.
Genome position (GRCh38, 1-based): chrX:80,729,920, T>C on the plus strand (A>G on the coding strand, the complement: BRWD3 is on the minus strand). VCF-style: chrX-80729920-T-C. GRCh37 (hg19) VCF-style: chrX-79985419-T-C.
Other names: short protein forms T410A.
Identifiers: ClinVar variation 3659323 (VCV003659323.2).

ClinVar aggregate classification (germline): Uncertain significance (1 of 4 stars; one submission).

Submission:

Labcorp Genetics (formerly Invitae), Labcorp
Classification: Uncertain significance. Last evaluated: 2025-01-30. Review status: criteria provided, single submitter. Criteria: Invitae Variant Classification Sherloc (09022015). Collection method: clinical testing. Allele origin: germline.
Comment: This sequence change replaces threonine, which is neutral and polar, with alanine, which is neutral and non-polar, at codon 410 of the BRWD3 protein (p.Thr410Ala). This variant is not present in population databases (gnomAD no frequency). This variant has not been reported in the literature in individuals affected with BRWD3-related conditions. Invitae Evidence Modeling of protein sequence and biophysical properties (such as structural, functional, and spatial information, amino acid conservation, physicochemical variation, residue mobility, and thermodynamic stability) indicates that this missense variant is not expected to disrupt BRWD3 protein function with a negative predictive value of 80%. In summary, the available evidence is currently insufficient to determine the role of this variant in disease. Therefore, it has been classified as a Variant of Uncertain Significance.